The following is an entry in ClinVar:

NM_198880.3(QRICH1):c.1671G>A (p.Lys557=)

Gene: QRICH1 (glutamine rich 1; minus strand). Cytogenetic location: 3p21.31.
Variant type: single nucleotide variant.
Coding change: c.1671G>A on transcript NM_198880.3 (MANE Select); coding-DNA position 1671, G replaced by A.
Protein change: p.Lys557=; no amino-acid change (lysine 557 retained).
Molecular consequence: synonymous variant.
Genome position (GRCh38, 1-based): chr3:49,046,425, C>T on the plus strand (G>A on the coding strand, the complement: QRICH1 is on the minus strand). VCF-style: chr3-49046425-C-T. GRCh37 (hg19) VCF-style: chr3-49083858-C-T.
Other names: NC_000003.11:g.49083858C>T; c.1671G>A, p.Lys557= (NM_017730.4, NM_001320583.2, NM_001320584.1 and 4 more transcripts).
Identifiers: ClinVar variation 3253417 (VCV003253417.3), dbSNP rs2471680338.

ClinVar aggregate classification (germline): Uncertain significance. Review status: criteria provided, multiple submitters, no conflicts (2 of 4 stars). 2 submissions from 2 submitters: Uncertain significance (2). Last evaluated 2025-06-10.

Conditions:
Ververi-Brady syndrome. Identifiers: MedGen C4693824, MONDO:0979877, MONDO:0060707.

Submissions (3):

Revvity Omics, Revvity
Classification: Uncertain significance for Ververi-Brady syndrome 1. Last evaluated: 2025-06-10. Review status: criteria provided, single submitter. Criteria: ACMG Guidelines, 2015. Collection method: clinical testing. Allele origin: germline.

GeneDx
Classification: Uncertain significance. Last evaluated: 2023-04-19. Review status: criteria provided, single submitter. Criteria: GeneDx Variant Classification Process June 2021. Collection method: clinical testing. Allele origin: germline. Affected: yes.
Comment: Not observed at significant frequency in large population cohorts (gnomAD); In silico analysis supports a deleterious effect on splicing; Has not been previously published as pathogenic or benign to our knowledge

Dr. Peter K. Rogan Lab, Western University
No classification provided (evidence only). Condition: Glioma susceptibility 1. Review status: no classification provided. Collection method: in vitro. Allele origin: not applicable. Functional consequence: skipped exon. Not counted in ClinVar's aggregate classification.